The following is an entry in ClinVar:

ClinVar aggregate classification (germline): Uncertain significance. Review status: criteria provided, multiple submitters, no conflicts (2 of 4 stars). 3 submissions from 3 submitters: Uncertain significance (3). Last evaluated 2025-09-11.

Conditions:
Primary ciliary dyskinesia. Also called: Ciliary dyskinesia. Identifiers: Orphanet 244, MedGen C0008780, MONDO:0016575, HP:0012265.

Allele frequency attached by ClinVar (database versions not stated): ESP Exome Variant Server 0.00023; gnomAD 0.00030 and 0.00031; gnomAD exomes 0.00036 and 0.00045; ExAC 0.00044; TOPMed 0.00049.
gnomAD v4.1: 558 of 1,613,620 alleles (0.035%); highest among the groups gnomAD compares: Admixed American, 0.082%; 1 homozygote.

Submissions (3):

Mayo Clinic Laboratories, Mayo Clinic
Classification: Uncertain significance. Last evaluated: 2025-09-11. Review status: criteria provided, single submitter. Criteria: ACMG Guidelines, 2015. Collection method: clinical testing. Allele origin: germline. Observed: 1 variant allele.
Comment: BP1

Blueprint Genetics
Classification: Uncertain significance. Last evaluated: 2024-10-22. Review status: criteria provided, single submitter. Criteria: ACMG Guidelines, 2015. Collection method: clinical testing. Allele origin: germline.

Labcorp Genetics (formerly Invitae), Labcorp
Classification: Uncertain significance for Primary ciliary dyskinesia. Last evaluated: 2023-12-11. Review status: criteria provided, single submitter. Criteria: Invitae Variant Classification Sherloc (09022015). Collection method: clinical testing. Allele origin: germline.
Comment: This sequence change replaces glycine, which is neutral and non-polar, with glutamic acid, which is acidic and polar, at codon 215 of the DNAH8 protein (p.Gly215Glu). This variant is present in population databases (rs200815756, gnomAD 0.06%). This variant has not been reported in the literature in individuals affected with DNAH8-related conditions. ClinVar contains an entry for this variant (Variation ID: 576883). Experimental studies and prediction algorithms are not available or were not evaluated, and the functional significance of this variant is currently unknown. In summary, the available evidence is currently insufficient to determine the role of this variant in disease. Therefore, it has been classified as a Variant of Uncertain Significance.

NM_001206927.2(DNAH8):c.644G>A (p.Gly215Glu)

Gene: DNAH8 (dynein axonemal heavy chain 8; plus strand). Cytogenetic location: 6p21.2.
Variant type: single nucleotide variant.
Coding change: c.644G>A on transcript NM_001206927.2 (MANE Select); coding-DNA position 644, G replaced by A.
Protein change: p.Gly215Glu; replaces glycine 215 with glutamic acid.
Molecular consequence: missense variant. On other transcripts: 5 prime UTR variant (1).
Genome position (GRCh38, 1-based): chr6:38,734,507, G>A. VCF-style: chr6-38734507-G-A. GRCh37 (hg19) VCF-style: chr6-38702283-G-A.
Other names: p.Gly215Glu; c.-8G>A (NM_001371.4); short protein forms G215E.
Identifiers: ClinVar variation 576883 (VCV000576883.8), dbSNP rs200815756, ClinGen allele CA3788003.